The following is an entry in ClinVar:

ClinVar aggregate classification (germline): Uncertain significance (1 of 4 stars; one submission).

Conditions:
Hereditary motor and sensory neuropathy, Okinawa type (HMSNO). Also called: HEREDITARY MOTOR AND SENSORY NEUROPATHY, PROXIMAL TYPE. Identifiers: Orphanet 90117, MedGen C1858338, MONDO:0011468, OMIM 604484.
Hereditary spastic paraplegia 57. Also called: Spastic paraplegia 57, autosomal recessive. Identifiers: Orphanet 431329, MedGen C3714897, MONDO:0014295, OMIM 615658.

Submission:

Labcorp Genetics (formerly Invitae), Labcorp
Classification: Uncertain significance for Hereditary motor and sensory neuropathy, Okinawa type; Hereditary spastic paraplegia 57. Last evaluated: 2025-03-13. Review status: criteria provided, single submitter. Criteria: Invitae Variant Classification Sherloc (09022015). Collection method: clinical testing. Allele origin: germline.
Comment: This sequence change replaces aspartic acid, which is acidic and polar, with glycine, which is neutral and non-polar, at codon 6 of the TFG protein (p.Asp6Gly). This variant is not present in population databases (gnomAD no frequency). This variant has not been reported in the literature in individuals affected with TFG-related conditions. Invitae Evidence Modeling of protein sequence and biophysical properties (such as structural, functional, and spatial information, amino acid conservation, physicochemical variation, residue mobility, and thermodynamic stability) indicates that this missense variant is expected to disrupt TFG protein function with a positive predictive value of 80%. In summary, the available evidence is currently insufficient to determine the role of this variant in disease. Therefore, it has been classified as a Variant of Uncertain Significance.

NM_006070.6(TFG):c.17A>G (p.Asp6Gly)

Gene: TFG (trafficking from ER to golgi regulator; plus strand). Cytogenetic location: 3q12.2.
Variant type: single nucleotide variant.
Coding change: c.17A>G on transcript NM_006070.6 (MANE Select); coding-DNA position 17, A replaced by G.
Protein change: p.Asp6Gly; replaces aspartic acid 6 with glycine.
Molecular consequence: missense variant.
Genome position (GRCh38, 1-based): chr3:100,713,702, A>G. VCF-style: chr3-100713702-A-G. GRCh37 (hg19) VCF-style: chr3-100432546-A-G.
Other names: c.17A>G, p.Asp6Gly (NM_001007565.2, NM_001195478.2, NM_001195479.2); short protein forms D6G.
Identifiers: ClinVar variation 4783081 (VCV004783081.1).